The following is an entry in ClinVar:

ClinVar aggregate classification (germline): Uncertain significance. Review status: criteria provided, single submitter (1 of 4 stars). 2 submissions from 2 submitters: Uncertain significance (1). 1 of the submissions does not count toward it. Last evaluated 2023-07-17.

Conditions:
SOX3-related disorder. Also called: SOX3-Related Disorders; SOX3-related condition.

Submissions (2):

Labcorp Genetics (formerly Invitae), Labcorp
Classification: Uncertain significance. Last evaluated: 2023-07-17. Review status: criteria provided, single submitter. Criteria: Invitae Variant Classification Sherloc (09022015). Collection method: clinical testing. Allele origin: germline.
Comment: In summary, the available evidence is currently insufficient to determine the role of this variant in disease. Therefore, it has been classified as a Variant of Uncertain Significance. Experimental studies and prediction algorithms are not available or were not evaluated, and the functional significance of this variant is currently unknown. This variant has not been reported in the literature in individuals affected with SOX3-related conditions. The frequency data for this variant in the population databases is considered unreliable, as metrics indicate insufficient coverage at this position in the gnomAD database. This variant, c.1059_1076del, results in the deletion of 6 amino acid(s) of the SOX3 protein (p.Thr354_Ala359del), but otherwise preserves the integrity of the reading frame.

PreventionGenetics, part of Exact Sciences
Classification: Uncertain significance for SOX3-related condition. Last evaluated: 2024-04-24. Review status: no assertion criteria provided. Collection method: clinical testing. Allele origin: germline. Not counted in ClinVar's aggregate classification.
Comment: The SOX3 c.1059_1076del18 variant is predicted to result in an in-frame deletion (p.Thr354_Ala359del). To our knowledge, this variant has not been reported in the literature or in a large population database, indicating this variant is rare. At this time, the clinical significance of this variant is uncertain due to the absence of conclusive functional and genetic evidence.

NM_005634.3(SOX3):c.1059_1076del (p.Thr354_Ala359del)

Gene: SOX3 (SRY-box transcription factor 3; minus strand). Cytogenetic location: Xq27.1.
Variant type: Deletion.
Coding change: c.1059_1076del on transcript NM_005634.3 (MANE Select); coding-DNA positions 1059 to 1076, 18 bases deleted (CACCGCCGCGGCCGCAGC).
Protein change: p.Thr354_Ala359del.
Molecular consequence: inframe deletion.
Genome position (GRCh38, 1-based): chrX:140,503,985-140,504,002, GCTGCGGCCGCGGCGGTG deleted on the plus strand (CACCGCCGCGGCCGCAGC on the coding strand, the reverse complement: SOX3 is on the minus strand); deleting any 18 consecutive bases within chrX:140,503,985-140,504,004 gives the same sequence; the c. name uses the placement nearest the transcript's 3' end. VCF-style (leftmost placement, unchanged base first): chrX-140503984-AGCTGCGGCCGCGGCGGTG-A. GRCh37 (hg19) VCF-style: chrX-139586149-AGCTGCGGCCGCGGCGGTG-A.
Other names: c.1059_1076del18 (NM_005634.2).
Identifiers: ClinVar variation 2914328 (VCV002914328.4), dbSNP rs1200616062, ClinGen allele CA872172153.
Genomic context (GRCh38, chrX:140,503,984, plus strand): 5'-GCTGGGCTCAGACTTCACTACCGAGCCCATGGGGCCCAGGCTCATGGCGGCTGCGGCCGC[AGCTGCGGCCGCGGCGGTG>A]GCGGGCTGCTGCCCGTAGGCGGCGGCCGCGGCTGCTGTGGCTGAGGGCGCCATGCCCCCG-3'